The following is an entry in ClinVar:

ClinVar aggregate classification (germline): Uncertain significance (1 of 4 stars; one submission).

Conditions:
Familial hypercholesterolemia. Also called: Familial hypercholesterolaemia. Identifiers: MedGen C0020445, MONDO:0005439.

gnomAD v4.1: 3 of 1,567,598 alleles (0.00019%); highest among the groups gnomAD compares: East Asian, 0.0046%; no homozygotes.

Submission:

Color Diagnostics, LLC DBA Color Health
Classification: Uncertain significance for Familial hypercholesterolemia. Last evaluated: 2025-06-03. Review status: criteria provided, single submitter. Criteria: ACMG Guidelines, 2015. Collection method: clinical testing. Allele origin: germline.
Comment: This variant is located in the 5' untranslated region of the PCSK9 gene. To our knowledge, functional studies have not been reported for this variant. This variant has not been reported in individuals affected with PCSK9-related disorders in the literature. This variant has been identified in 1/175294 chromosomes in the general population by the Genome Aggregation Database (gnomAD). The available evidence is insufficient to determine the role of this variant in disease conclusively. Therefore, this variant is classified as a Variant of Uncertain Significance.

NM_174936.4(PCSK9):c.-12C>A

Gene: PCSK9 (proprotein convertase subtilisin/kexin type 9; plus strand). Cytogenetic location: 1p32.3.
Variant type: single nucleotide variant.
Coding change: c.-12C>A on transcript NM_174936.4 (MANE Select); 12 bases upstream of the start codon, C replaced by A.
Molecular consequence: 5 prime UTR variant. On other transcripts: non-coding transcript variant (8).
Genome position (GRCh38, 1-based): chr1:55,039,826, C>A. VCF-style: chr1-55039826-C-A. GRCh37 (hg19) VCF-style: chr1-55505499-C-A.
Other names: c.-12C>A (NM_001407240.1, NM_001407241.1, NM_001407242.1 and 4 more transcripts); c.-746C>A (NM_001407246.1).
Identifiers: ClinVar variation 4758101 (VCV004758101.1).
Genomic context (GRCh38, chr1:55,039,826, plus strand): 5'-GGCGCCGCCGGCGTGGACCGCGCACGGCCTCTAGGTCTCCTCGCCAGGACAGCAACCTCT[C>A]CCCTGGCCCTCATGGGCACCGTCAGCTCCAGGCGGTCCTGGTGGCCGCTGCCACTGCTGC-3'